The following is an entry in ClinVar:

ClinVar aggregate classification (germline): Pathogenic (1 of 4 stars; one submission).

Conditions:
Peroxisome biogenesis disorder. Identifiers: Orphanet 79189, MedGen C1832200, MONDO:0019234. Disease mechanism: loss of function.

Submission:

Myriad Genetics, Inc.
Classification: Pathogenic for Peroxisome biogenesis disorder. Last evaluated: 2025-07-19. Review status: criteria provided, single submitter. Criteria: Myriad Autosomal Dominant, Autosomal Recessive and X-Linked Classification Criteria (2023). Collection method: clinical testing. Allele origin: unknown.
Comment: NM_000466.2(PEX1):c.613dupG(D205Gfs*23) is expected to be pathogenic in the context of peroxisome biogenesis disorder type 1. This variant is predicted to lead to an abnormal or absent protein product due to the creation of a premature termination codon in PEX1, a gene where loss-of-function variants are known to be pathogenic. Please note: this variant was assessed in the context of healthy population screening.

NM_000466.3(PEX1):c.613dup (p.Asp205fs)

Gene: PEX1 (peroxisomal biogenesis factor 1; minus strand). Cytogenetic location: 7q21.2.
Variant type: Duplication.
Coding change: c.613dup on transcript NM_000466.3 (MANE Select); coding-DNA position 613, one base duplicated (G; older notation c.613dupG).
Protein change: p.Asp205fs; shifts the reading frame from aspartic acid 205.
Molecular consequence: frameshift variant. On other transcripts: 5 prime UTR variant (1).
Genome position (GRCh38, 1-based): chr7:92,517,902, C duplicated on the plus strand (G on the coding strand, the reverse complement: PEX1 is on the minus strand). VCF-style (leftmost placement, unchanged base first): chr7-92517901-T-TC. GRCh37 (hg19) VCF-style: chr7-92147215-T-TC.
Other names: c.613dup, p.Asp205fs (NM_001282677.2); c.-12dup (NM_001282678.2); short protein forms D205fs.
Identifiers: ClinVar variation 5014743 (VCV005014743.1).
Genomic context (GRCh38, chr7:92,517,901, plus strand): 5'-ATTCCCACAGTATTTGACTGAAGTTGCTTGGTTTGAAGTTCTTTCATCATTCCTTTCTGG[T>TC]CTCTTCCATAACTATGAAGTTTTTTATATTCAGCATCAGCTTTTGAAAATGTATTCTCTT-3'